The following is an entry in ClinVar:

ClinVar aggregate classification (germline): Uncertain significance. Review status: criteria provided, multiple submitters, no conflicts (2 of 4 stars). 3 submissions from 3 submitters: Uncertain significance (3). Last evaluated 2025-11-25.

Conditions:
Hereditary cancer-predisposing syndrome. Also called: Hereditary neoplastic syndrome; Neoplastic Syndromes, Hereditary; Hereditary Cancer Syndrome; Tumor predisposition. Identifiers: Orphanet 140162, MedGen C0027672, MeSH D009386, MONDO:0015356.
Carney complex, type 1 (CNC1). Also called: CARNEY COMPLEX, TYPE I; CARNEY MYXOMA-ENDOCRINE COMPLEX. Identifiers: Orphanet 1359, MedGen C2607929, MONDO:0008057, OMIM 160980.

Allele frequency attached by ClinVar (database versions not stated): gnomAD 0.00001.
gnomAD v4.1: 11 of 1,613,448 alleles (0.00068%); highest among the groups gnomAD compares: South Asian, 0.0011%; no homozygotes.

Submissions (3):

Ambry Genetics
Classification: Uncertain significance for Hereditary cancer-predisposing syndrome. Last evaluated: 2025-11-25. Review status: criteria provided, single submitter. Criteria: Ambry Variant Classification Scheme 2023. Collection method: clinical testing. Allele origin: germline.
Comment: The p.R16G variant (also known as c.46C>G), located in coding exon 1 of the PRKAR1A gene, results from a C to G substitution at nucleotide position 46. The arginine at codon 16 is replaced by glycine, an amino acid with dissimilar properties. This amino acid position is conserved. In addition, this alteration is predicted to be deleterious by in silico analysis. Since supporting evidence is limited at this time, the clinical significance of this alteration remains unclear.

GeneDx
Classification: Uncertain significance. Last evaluated: 2024-06-10. Review status: criteria provided, single submitter. Criteria: GeneDx Variant Classification Process June 2021. Collection method: clinical testing. Allele origin: germline. Affected: yes.
Comment: Not observed at significant frequency in large population cohorts (gnomAD); In silico analysis indicates that this missense variant does not alter protein structure/function; Has not been previously published as pathogenic or benign to our knowledge; This variant is associated with the following publications: (PMID: 24363928)

Labcorp Genetics (formerly Invitae), Labcorp
Classification: Uncertain significance for Carney complex, type 1. Last evaluated: 2022-10-05. Review status: criteria provided, single submitter. Criteria: Invitae Variant Classification Sherloc (09022015). Collection method: clinical testing. Allele origin: germline.
Comment: This variant has not been reported in the literature in individuals affected with PRKAR1A-related conditions. This variant is not present in population databases (gnomAD no frequency). This sequence change replaces arginine, which is basic and polar, with glycine, which is neutral and non-polar, at codon 16 of the PRKAR1A protein (p.Arg16Gly). In summary, the available evidence is currently insufficient to determine the role of this variant in disease. Therefore, it has been classified as a Variant of Uncertain Significance. Algorithms developed to predict the effect of missense changes on protein structure and function (SIFT, PolyPhen-2, Align-GVGD) all suggest that this variant is likely to be tolerated.

NM_002734.5(PRKAR1A):c.46C>G (p.Arg16Gly)

Gene: PRKAR1A (protein kinase cAMP-dependent type I regulatory subunit alpha; plus strand). Cytogenetic location: 17q24.2.
Variant type: single nucleotide variant.
Coding change: c.46C>G on transcript NM_002734.5 (MANE Select); coding-DNA position 46, C replaced by G.
Protein change: p.Arg16Gly; replaces arginine 16 with glycine.
Molecular consequence: missense variant.
Genome position (GRCh38, 1-based): chr17:68,515,445, C>G. VCF-style: chr17-68515445-C-G. GRCh37 (hg19) VCF-style: chr17-66511586-C-G.
Other names: c.46C>G, p.Arg16Gly (NM_001276289.2, NM_001276290.1, NM_001278433.2 and 4 more transcripts); c.46C>G (NM_002734.3); short protein forms R16G.
Identifiers: ClinVar variation 2166733 (VCV002166733.8), dbSNP rs886041228, ClinGen allele CA400751851.